The following is an entry in ClinVar:

ClinVar aggregate classification (germline): Uncertain significance (1 of 4 stars; one submission).

Conditions:
Inborn genetic diseases. Identifiers: MedGen C0950123, MeSH D030342.

Submission:

Ambry Genetics
Classification: Uncertain significance for Inborn genetic diseases. Last evaluated: 2025-04-03. Review status: criteria provided, single submitter. Criteria: Ambry Variant Classification Scheme 2023. Collection method: clinical testing. Allele origin: germline.
Comment: The p.C547R variant (also known as c.1639T>C), located in coding exon 10 of the RECQL4 gene, results from a T to C substitution at nucleotide position 1639. The cysteine at codon 547 is replaced by arginine, an amino acid with highly dissimilar properties. This amino acid position is conserved. In addition, this alteration is predicted to be tolerated by in silico analysis. Based on the available evidence, the clinical significance of this variant remains unclear.

NM_004260.4(RECQL4):c.1639T>C (p.Cys547Arg)

Gene: RECQL4 (RecQ like helicase 4; minus strand). Cytogenetic location: 8q24.3.
Variant type: single nucleotide variant.
Coding change: c.1639T>C on transcript NM_004260.4 (MANE Select); coding-DNA position 1639, T replaced by C.
Protein change: p.Cys547Arg; replaces cysteine 547 with arginine.
Molecular consequence: missense variant. On other transcripts: non-coding transcript variant (3).
Genome position (GRCh38, 1-based): chr8:144,514,507, A>G on the plus strand (T>C on the coding strand, the complement: RECQL4 is on the minus strand). VCF-style: chr8-144514507-A-G. GRCh37 (hg19) VCF-style: chr8-145739891-A-G.
Other names: c.1543T>C, p.Cys515Arg (NM_001413017.1, NM_001413020.1); c.1639T>C, p.Cys547Arg (NM_001413018.1, NM_001413019.1, NM_001413033.1 and 1 more transcripts); c.568T>C, p.Cys190Arg (NM_001413021.1, NM_001413022.1, NM_001413023.1 and 7 more transcripts); c.1510T>C, p.Cys504Arg (NM_001413025.1); c.502T>C, p.Cys168Arg (NM_001413027.1, NM_001413030.1, NM_001413031.1 and 2 more transcripts); c.1288T>C, p.Cys430Arg (NM_001413029.1); c.1609T>C, p.Cys537Arg (NM_001413039.1); c.538T>C, p.Cys180Arg (NM_001413042.1); and 1 more; short protein forms C180R, C537R, C58R, C168R, C504R, C515R, C190R, C430R.
Identifiers: ClinVar variation 3944260 (VCV003944260.1).